The following is an entry in ClinVar:

NM_139058.3(ARX):c.461C>T (p.Ala154Val)

Genes: ARX (aristaless related homeobox; minus strand), LOC109610631 (aristaless related homeobox polyalanine expansion region; plus strand). Cytogenetic location: Xp21.3.
Variant type: single nucleotide variant.
Coding change: c.461C>T on transcript NM_139058.3 (MANE Select); coding-DNA position 461, C replaced by T.
Protein change: p.Ala154Val; replaces alanine 154 with valine.
Molecular consequence: missense variant.
Genome position (GRCh38, 1-based): chrX:25,013,534, G>A on the plus strand (C>T on the coding strand, the complement: ARX is on the minus strand). VCF-style: chrX-25013534-G-A. GRCh37 (hg19) VCF-style: chrX-25031651-G-A.
Other names: short protein forms A154V.
Identifiers: ClinVar variation 2572722 (VCV002572722.1), dbSNP rs1257917412, ClinGen allele CA412613138.
Genomic context (GRCh38, chrX:25,013,534, plus strand): 5'-GACTTGCTGCGGCTGATGCTCACCTGCGGCGCCTGGCTGATCTTGAGCGTGTCCCAGGCC[G>A]CGGCGGCCGCGGCCGCGGCTGCCGCGGCGGCCCCTGCGCCGTCCGGCCGTTCCCCGGGCC-3'
Protein context (NP_620689.1, residues 144-164): AAAAAAAAAA[Ala154Val]AWDTLKISQA

ClinVar aggregate classification (germline): Uncertain significance (1 of 4 stars; one submission).

Allele frequency attached by ClinVar (database versions not stated): TOPMed below 0.00001; gnomAD 0.00002; gnomAD exomes 0.00003.
gnomAD v4.1: 4 of 811,252 alleles (0.00049%); highest among the groups gnomAD compares: African/African-American, 0.0069%; no homozygotes.

Submission:

GeneDx
Classification: Uncertain significance. Last evaluated: 2023-01-15. Review status: criteria provided, single submitter. Criteria: GeneDx Variant Classification Process June 2021. Collection method: clinical testing. Allele origin: germline. Affected: yes.
Comment: In silico analysis supports that this missense variant does not alter protein structure/function; Has not been previously published as pathogenic or benign to our knowledge; This variant is associated with the following publications: (PMID: 20300201)